The following is an entry in ClinVar:

NM_015959.4(TMX2):c.190-3C>A

Genes: TMX2 (thioredoxin related transmembrane protein 2; plus strand), TMX2-CTNND1 (TMX2-CTNND1 readthrough (NMD candidate); plus strand). Cytogenetic location: 11q12.1.
Variant type: single nucleotide variant.
Coding change: c.190-3C>A on transcript NM_015959.4 (MANE Select); 3 bases into the intron before coding-DNA position 190, C replaced by A.
Molecular consequence: intron variant.
Genome position (GRCh38, 1-based): chr11:57,737,605, C>A. VCF-style: chr11-57737605-C-A. GRCh37 (hg19) VCF-style: chr11-57505077-C-A.
Other names: c.-220-3C>A (NM_001347895.2); c.-170-3C>A (NM_001347893.2, NM_001347894.2, NM_001347896.2); c.190-3C>A (NM_001347890.2, NM_001347898.2, NM_001144012.3); c.220-3C>A (NM_001347891.2); c.-18-3C>A (NM_001347892.2).
Identifiers: ClinVar variation 2502731 (VCV002502731.1), dbSNP rs921041995, ClinGen allele CA223087292.
Genomic context (GRCh38, chr11:57,737,605, plus strand): 5'-CTTTCCCACCTAAGTTAGCTCTAGTCACTGCATTCCTGTTATAATACTTCGATTCTGTTC[C>A]AGAGAGAAGTGGAGATCCTGATGTTTCTCAGTGCCATTGTGATGATGAAGAACCGCAGAT-3'

ClinVar aggregate classification (germline): Uncertain significance (1 of 4 stars; one submission).

Allele frequency attached by ClinVar (database versions not stated): gnomAD exomes below 0.00001; TOPMed 0.00002; gnomAD 0.00003.
gnomAD v4.1: 8 of 1,613,376 alleles (0.0005%); highest among the groups gnomAD compares: African/African-American, 0.0093%; no homozygotes.

Submission:

GeneDx
Classification: Uncertain significance. Last evaluated: 2022-11-17. Review status: criteria provided, single submitter. Criteria: GeneDx Variant Classification Process June 2021. Collection method: clinical testing. Allele origin: germline. Affected: yes.
Comment: In silico analysis supports a deleterious effect on splicing; Has not been previously published as pathogenic or benign to our knowledge